The following is an entry in ClinVar:

ClinVar aggregate classification (germline): Uncertain significance (1 of 4 stars; one submission).

Allele frequency attached by ClinVar (database versions not stated): ExAC 0.00001.
gnomAD v4.1: 1 of 1,614,166 alleles (0.000062%); highest among the groups gnomAD compares: Non-Finnish European, 0.000085%; no homozygotes.

Submission:

Labcorp Genetics (formerly Invitae), Labcorp
Classification: Uncertain significance. Last evaluated: 2021-08-17. Review status: criteria provided, single submitter. Criteria: Invitae Variant Classification Sherloc (09022015). Collection method: clinical testing. Allele origin: germline.
Comment: This variant has not been reported in the literature in individuals with ACBD5-related conditions. This sequence change replaces asparagine with serine at codon 321 of the ACBD5 protein (p.Asn321Ser). The asparagine residue is weakly conserved and there is a small physicochemical difference between asparagine and serine. This variant is present in population databases (rs768365855, ExAC no frequency). Algorithms developed to predict the effect of missense changes on protein structure and function output the following: SIFT: "Tolerated"; PolyPhen-2: "Benign"; Align-GVGD: "Class C0". The serine amino acid residue is found in multiple mammalian species, suggesting that this missense change does not adversely affect protein function. These predictions have not been confirmed by published functional studies and their clinical significance is uncertain. Algorithms developed to predict the effect of sequence changes on RNA splicing suggest that this variant may create or strengthen a splice site, but this prediction has not been confirmed by published transcriptional studies. In summary, the available evidence is currently insufficient to determine the role of this variant in disease. Therefore, it has been classified as a Variant of Uncertain Significance.

NM_145698.5(ACBD5):c.962A>G (p.Asn321Ser)

Gene: ACBD5 (acyl-CoA binding domain containing 5; minus strand). Cytogenetic location: 10p12.1.
Variant type: single nucleotide variant.
Coding change: c.962A>G on transcript NM_145698.5 (MANE Select); coding-DNA position 962, A replaced by G.
Protein change: p.Asn321Ser; replaces asparagine 321 with serine.
Molecular consequence: missense variant.
Genome position (GRCh38, 1-based): chr10:27,211,056, T>C on the plus strand (A>G on the coding strand, the complement: ACBD5 is on the minus strand). VCF-style: chr10-27211056-T-C. GRCh37 (hg19) VCF-style: chr10-27499985-T-C.
Other names: c.857A>G, p.Asn286Ser (NM_001042473.4, NM_001352577.2, NM_001352578.2 and 1 more transcripts); c.956A>G, p.Asn319Ser (NM_001271512.3); c.635A>G, p.Asn212Ser (NM_001301251.2, NM_001301252.2, NM_001301253.2 and 2 more transcripts); c.431A>G, p.Asn144Ser (NM_001301254.2); c.1016A>G, p.Asn339Ser (NM_001352568.1); c.995A>G, p.Asn332Ser (NM_001352569.1); c.962A>G, p.Asn321Ser (NM_001352570.1); c.989A>G, p.Asn330Ser (NM_001352571.1); and 10 more; short protein forms N218S, N253S, N264S, N268S, N319S, N332S, N223S, N297S.
Identifiers: ClinVar variation 1046570 (VCV001046570.8), dbSNP rs768365855, ClinGen allele CA5450776.